The following is an entry in ClinVar:

ClinVar aggregate classification (germline): Uncertain significance. Review status: criteria provided, multiple submitters, no conflicts (2 of 4 stars). 2 submissions from 2 submitters: Uncertain significance (2). Last evaluated 2023-12-15.

Allele frequency attached by ClinVar (database versions not stated): 1000 Genomes Project 30x 0.00016; 1000 Genomes Project 0.00020; gnomAD 0.00001; gnomAD exomes 0.00001 and 0.00006; TOPMed 0.00004; ExAC 0.00005.
gnomAD v4.1: 13 of 1,614,090 alleles (0.00081%); highest among the groups gnomAD compares: East Asian, 0.025%; no homozygotes.

Submissions (2):

Ambry Genetics
Classification: Uncertain significance. Last evaluated: 2023-12-15. Review status: criteria provided, single submitter. Criteria: Ambry Variant Classification Scheme 2023. Collection method: clinical testing. Allele origin: germline.

Labcorp Genetics (formerly Invitae), Labcorp
Classification: Uncertain significance. Last evaluated: 2022-02-09. Review status: criteria provided, single submitter. Criteria: Invitae Variant Classification Sherloc (09022015). Collection method: clinical testing. Allele origin: germline.
Comment: This sequence change replaces isoleucine, which is neutral and non-polar, with valine, which is neutral and non-polar, at codon 701 of the DHX38 protein (p.Ile701Val). This variant is present in population databases (rs575713511, gnomAD 0.08%). This variant has not been reported in the literature in individuals affected with DHX38-related conditions. ClinVar contains an entry for this variant (Variation ID: 943029). Algorithms developed to predict the effect of missense changes on protein structure and function (SIFT, PolyPhen-2, Align-GVGD) all suggest that this variant is likely to be tolerated. In summary, the available evidence is currently insufficient to determine the role of this variant in disease. Therefore, it has been classified as a Variant of Uncertain Significance.

NM_014003.4(DHX38):c.2101A>G (p.Ile701Val)

Gene: DHX38 (DEAH-box helicase 38; plus strand). Cytogenetic location: 16q22.2.
Variant type: single nucleotide variant.
Coding change: c.2101A>G on transcript NM_014003.4 (MANE Select); coding-DNA position 2101, A replaced by G.
Protein change: p.Ile701Val; replaces isoleucine 701 with valine.
Molecular consequence: missense variant.
Genome position (GRCh38, 1-based): chr16:72,104,576, A>G. VCF-style: chr16-72104576-A-G. GRCh37 (hg19) VCF-style: chr16-72138475-A-G.
Other names: short protein forms I701V.
Identifiers: ClinVar variation 943029 (VCV000943029.11), dbSNP rs575713511, ClinGen allele CA8160515.